The following is an entry in ClinVar:

ClinVar aggregate classification (germline): Uncertain significance (1 of 4 stars; one submission).

gnomAD v4.1: 4 of 1,509,030 alleles (0.00027%); highest among the groups gnomAD compares: Admixed American, 0.0054%; no homozygotes.

Submission:

Labcorp Genetics (formerly Invitae), Labcorp
Classification: Uncertain significance. Last evaluated: 2025-01-20. Review status: criteria provided, single submitter. Criteria: Invitae Variant Classification Sherloc (09022015). Collection method: clinical testing. Allele origin: germline.
Comment: This sequence change falls in intron 7 of the RIPK1 gene. It does not directly change the encoded amino acid sequence of the RIPK1 protein. It affects a nucleotide within the consensus splice site. This variant is present in population databases (rs750442977, gnomAD 0.01%). This variant has not been reported in the literature in individuals affected with RIPK1-related conditions. Variants that disrupt the consensus splice site are a relatively common cause of aberrant splicing (PMID: 17576681, 9536098). Algorithms developed to predict the effect of sequence changes on RNA splicing suggest that this variant is not likely to affect RNA splicing. In summary, the available evidence is currently insufficient to determine the role of this variant in disease. Therefore, it has been classified as a Variant of Uncertain Significance.

Literature cited by the submitters: PubMed 17576681; PubMed 9536098.

NM_001354930.2(RIPK1):c.915+4G>A

Gene: RIPK1 (receptor interacting serine/threonine kinase 1; plus strand). Cytogenetic location: 6p25.2.
Variant type: single nucleotide variant.
Coding change: c.915+4G>A on transcript NM_001354930.2 (MANE Select); 4 bases into the intron after coding-DNA position 915, G replaced by A.
Molecular consequence: intron variant.
Genome position (GRCh38, 1-based): chr6:3,089,661, G>A. VCF-style: chr6-3089661-G-A. GRCh37 (hg19) VCF-style: chr6-3089895-G-A.
Other names: c.426+4G>A (NM_001317061.3, NM_001354932.2, NM_001354934.2 and 1 more transcripts); c.915+4G>A (NM_003804.6); c.777+4G>A (NM_001354931.2).
Identifiers: ClinVar variation 3669186 (VCV003669186.2).
Genomic context (GRCh38, chr6:3,089,661, plus strand): 5'-CCTTTTTATTTAAGTCAATTAGAAGAAAGTGTAGAAGAGGACGTGAAGAGTTTAAAGGTA[G>A]GCAATATAGCAGATGCTCAAAATATTAACATAGCAAAATATATACTGTCAATCATGAAAA-3'